The following is an entry in ClinVar:

NM_004370.6(COL12A1):c.7438G>A (p.Val2480Met)

Gene: COL12A1 (collagen type XII alpha 1 chain; minus strand). Cytogenetic location: 6q13.
Variant type: single nucleotide variant.
Coding change: c.7438G>A on transcript NM_004370.6 (MANE Select); coding-DNA position 7438, G replaced by A.
Protein change: p.Val2480Met; replaces valine 2480 with methionine.
Molecular consequence: missense variant.
Genome position (GRCh38, 1-based): chr6:75,117,463, C>T on the plus strand (G>A on the coding strand, the complement: COL12A1 is on the minus strand). VCF-style: chr6-75117463-C-T. GRCh37 (hg19) VCF-style: chr6-75827179-C-T.
Other names: c.3946G>A, p.Val1316Met (NM_080645.3); short protein forms V2480M, V1316M.
Identifiers: ClinVar variation 840489 (VCV000840489.13), dbSNP rs183898615, ClinGen allele CA3892559.

ClinVar aggregate classification (germline): Conflicting classifications of pathogenicity. Review status: criteria provided, conflicting classifications (1 of 4 stars). 3 submissions from 3 submitters: Uncertain significance (2); Likely benign (1). Last evaluated 2026-05-05.

Conditions:
Ullrich congenital muscular dystrophy 2 (UCMD2). Identifiers: Orphanet 75840, MedGen C4225314, MONDO:0014654, OMIM 616470.
Bethlem myopathy 2 (BTHLM2). Identifiers: Orphanet 536516, Orphanet 610, MedGen C4225313, MONDO:0034022, OMIM 616471.

Allele frequency attached by ClinVar (database versions not stated): gnomAD exomes 0.00002; ExAC 0.00001; gnomAD 0.00004 and 0.00006; 1000 Genomes Project 30x 0.00031; 1000 Genomes Project 0.00040; TOPMed 0.00008.
gnomAD v4.1: 73 of 1,613,742 alleles (0.0045%); highest among the groups gnomAD compares: East Asian, 0.016%; no homozygotes.

Submissions (3):

Women's Health and Genetics/Laboratory Corporation of America, LabCorp
Classification: Uncertain significance. Last evaluated: 2026-05-05. Review status: criteria provided, single submitter. Criteria: LabCorp Variant Classification Summary - May 2015. Collection method: clinical testing. Allele origin: germline.
Comment: Variant summary: COL12A1 c.7438G>A (p.Val2480Met) results in a conservative amino acid change in the encoded protein sequence. Algorithms developed to predict the effect of missense changes on protein structure and function are either unavailable or do not agree on the potential impact of this missense change. The variant allele was found at a frequency of 2.4e-05 in 249082 control chromosomes. The available data on variant occurrences in the general population are insufficient to allow any conclusion about variant significance. To our knowledge, no occurrence of c.7438G>A in individuals affected with COL12A1-related conditions and no experimental evidence demonstrating its impact on protein function have been reported. ClinVar contains an entry for this variant (Variation ID: 840489). Based on the evidence outlined above, the variant was classified as uncertain significance.

Labcorp Genetics (formerly Invitae), Labcorp
Classification: Likely benign for Bethlem myopathy 2; Ullrich congenital muscular dystrophy 2. Last evaluated: 2026-01-17. Review status: criteria provided, single submitter. Criteria: Invitae Variant Classification Sherloc (09022015). Collection method: clinical testing. Allele origin: germline.

Revvity Omics, Revvity
Classification: Uncertain significance. Last evaluated: 2021-08-10. Review status: criteria provided, single submitter. Criteria: ACMG Guidelines, 2015. Collection method: clinical testing. Allele origin: germline.